The following is an entry in ClinVar:

ClinVar aggregate classification (germline): Pathogenic. Review status: criteria provided, multiple submitters, no conflicts (2 of 4 stars). 7 submissions from 7 submitters: Pathogenic (5). 2 of the submissions do not count toward it. Last evaluated 2024-05-01.

Conditions:
SLC37A4-related disorder. Also called: SLC37A4-related condition.
Glucose-6-phosphate transport defect (GSD1B). Also called: Glycogen Storage Disease Type Ib; GSD Ib. Identifiers: Orphanet 364, Orphanet 79259, MedGen C0268146, MONDO:0009288, OMIM 232220.

Allele frequency attached by ClinVar (database versions not stated): TOPMed below 0.00001; gnomAD 0.00001; 1000 Genomes Project 30x 0.00016; 1000 Genomes Project 0.00020.

Submissions (7):

Natera, Inc.
Classification: Pathogenic for Glycogen storage disease type Ib. Last evaluated: 2024-05-01. Review status: criteria provided, single submitter. Criteria: Natera Variant Classification Schema (03/2026). Collection method: clinical testing. Allele origin: germline.
Comment: The c.572C>T variant in SLC37A4 is a missense variant predicted to cause substitution of proline to leucine at amino acid 191. This variant is rare in the general population with a frequency below the threshold expected for the associated phenotype(s). This variant has been observed in one or more individuals affected with the associated recessive disease, as either homozygous or compound heterozygous with a second variant (PMID: 10874322, 33344388). Given the available evidence, this variant is classified as Pathogenic.

Baylor Genetics
Classification: Pathogenic for Glucose-6-phosphate transport defect. Last evaluated: 2024-03-12. Review status: criteria provided, single submitter. Criteria: ACMG Guidelines, 2015. Collection method: clinical testing. Allele origin: unknown.

Labcorp Genetics (formerly Invitae), Labcorp
Classification: Pathogenic for Glucose-6-phosphate transport defect. Last evaluated: 2024-02-22. Review status: criteria provided, single submitter. Criteria: Invitae Variant Classification Sherloc (09022015). Collection method: clinical testing. Allele origin: germline.
Comment: This sequence change replaces proline, which is neutral and non-polar, with leucine, which is neutral and non-polar, at codon 191 of the SLC37A4 protein (p.Pro191Leu). This variant is not present in population databases (gnomAD no frequency). This missense change has been observed in individual(s) with autosomal recessive glycogen storage disease type 1b (PMID: 10874322, 31617422, 33731098). In at least one individual the data is consistent with being in trans (on the opposite chromosome) from a pathogenic variant. It has also been observed to segregate with disease in related individuals. ClinVar contains an entry for this variant (Variation ID: 68285). Advanced modeling of protein sequence and biophysical properties (such as structural, functional, and spatial information, amino acid conservation, physicochemical variation, residue mobility, and thermodynamic stability) performed at Invitae indicates that this missense variant is expected to disrupt SLC37A4 protein function with a positive predictive value of 80%. Experimental studies have shown that this missense change affects SLC37A4 function (PMID: 12444104, 18835800). For these reasons, this variant has been classified as Pathogenic.

Blueprint Genetics
Classification: Pathogenic for SLC37A4-related disorders. Last evaluated: 2023-03-27. Review status: criteria provided, single submitter. Criteria: ACMG Guidelines, 2015. Collection method: clinical testing. Allele origin: germline. Affected: yes. Observed: 1 variant allele.

Women's Health and Genetics/Laboratory Corporation of America, LabCorp
Classification: Pathogenic for Glucose-6-phosphate transport defect. Last evaluated: 2020-02-03. Review status: criteria provided, single submitter. Criteria: LabCorp Variant Classification Summary - May 2015. Collection method: clinical testing. Allele origin: germline.
Comment: Variant summary: SLC37A4 c.572C>T (p.Pro191Leu) results in a non-conservative amino acid change located in the Major facilitator superfamily domain (IPR020846) of the encoded protein sequence. Two of two in-silico tools predict a damaging effect of the variant on protein function. The variant was absent in 248940 control chromosomes (gnomAD). c.572C>T has been reported in the literature in individuals affected with Glycogen Storage Disease Type Ib (Lam_2000. Yuen_2002, Zhang_2019). These data indicate that the variant is likely to be associated with disease. At least one publication reports this variant has an impact on protein function and results in decreasing G6P update activity (Chen_2002). No clinical diagnostic laboratories have submitted clinical-significance assessments for this variant to ClinVar after 2014. Based on the evidence outlined above, the variant was classified as pathogenic.

Counsyl
Classification: Likely pathogenic for Glucose-6-phosphate transport defect. Last evaluated: 2014-08-15. Review status: no assertion criteria provided. Collection method: literature only. Allele origin: unknown. Inheritance: Autosomal recessive inheritance. Not counted in ClinVar's aggregate classification.

UniProtKB/Swiss-Prot
No classification provided. Review status: no classification provided. Collection method: not provided. Allele origin: germline. Not counted in ClinVar's aggregate classification.

Literature cited by the submitters: PubMed 10874322 (cited by 4 submitters); PubMed 33344388 (cited by Natera, Inc.); PubMed 31617422 (cited by Labcorp Genetics (formerly Invitae), Labcorp and Women's Health and Genetics/Laboratory Corporation of America, LabCorp); PubMed 33731098 (cited by Labcorp Genetics (formerly Invitae), Labcorp); PubMed 12444104 (cited by 3 submitters); PubMed 18835800 (cited by Labcorp Genetics (formerly Invitae), Labcorp and Counsyl); PubMed 12409273 (cited by Women's Health and Genetics/Laboratory Corporation of America, LabCorp and Counsyl); PubMed 15260472 (cited by Counsyl).

NM_001164277.2(SLC37A4):c.572C>T (p.Pro191Leu)

Gene: SLC37A4 (solute carrier family 37 member 4; minus strand). Cytogenetic location: 11q23.3.
Variant type: single nucleotide variant.
Coding change: c.572C>T on transcript NM_001164277.2 (MANE Select); coding-DNA position 572, C replaced by T.
Protein change: p.Pro191Leu; replaces proline 191 with leucine.
Molecular consequence: missense variant.
Genome position (GRCh38, 1-based): chr11:119,027,681, G>A on the plus strand (C>T on the coding strand, the complement: SLC37A4 is on the minus strand). VCF-style: chr11-119027681-G-A. GRCh37 (hg19) VCF-style: chr11-118898391-G-A.
Other names: c.572C>T, p.Pro191Leu (NM_001164278.2, NM_001164280.2, NM_001467.6); c.353C>T, p.Pro118Leu (NM_001164279.2); short protein forms P191L, P118L.
Identifiers: ClinVar variation 68285 (VCV000068285.13), dbSNP rs193302888, ClinGen allele CA219334.
Genomic context (GRCh38, chr11:119,027,681, plus strand): 5'-GGCTCACCCTTCTTGCCCTCAGAGGGCATGGGGTCCAGGTTGCGGAGTCCAACATCAGCA[G>A]GTTCATTGTGGATGAGCAGGAGACAGAGGAAGGAGACAACCACACCACAGTGCCCCAGAT-3'
Protein context (NP_001157749.1, residues 181-201): FLCLLLIHNE[Pro191Leu]ADVGLRNLDP